The following is an entry in ClinVar:

ClinVar aggregate classification (germline): Uncertain significance. Review status: criteria provided, multiple submitters, no conflicts (2 of 4 stars). 2 submissions from 2 submitters: Uncertain significance (2). Last evaluated 2023-06-13.

Conditions:
Charcot-Marie-Tooth disease type 2. Also called: Charcot-Marie-Tooth type 2. Identifiers: Orphanet 64746, MedGen C0270914, MONDO:0018993.

Submissions (2):

Ambry Genetics
Classification: Uncertain significance. Last evaluated: 2023-06-13. Review status: criteria provided, single submitter. Criteria: Ambry Variant Classification Scheme 2023. Collection method: clinical testing. Allele origin: germline.
Comment: The c.1296+5delG intronic variant, located in intron 12 of the KIF1B gene, results from a deletion of one nucleotide within intron 12 of the KIF1B gene. This nucleotide position is highly conserved in available vertebrate species. In silico splice site analysis predicts that this alteration may weaken the native splice donor site. The evidence for this gene-disease relationship is limited; therefore, the clinical significance of this alteration is unclear.

Labcorp Genetics (formerly Invitae), Labcorp
Classification: Uncertain significance for Charcot-Marie-Tooth disease type 2. Last evaluated: 2022-02-18. Review status: criteria provided, single submitter. Criteria: Invitae Variant Classification Sherloc (09022015). Collection method: clinical testing. Allele origin: germline.
Comment: This sequence change falls in intron 13 of the KIF1B gene. It does not directly change the encoded amino acid sequence of the KIF1B protein. It affects a nucleotide within the consensus splice site. This variant is not present in population databases (gnomAD no frequency). This variant has not been reported in the literature in individuals affected with KIF1B-related conditions. ClinVar contains an entry for this variant (Variation ID: 658372). Variants that disrupt the consensus splice site are a relatively common cause of aberrant splicing (PMID: 17576681, 9536098). Algorithms developed to predict the effect of sequence changes on RNA splicing suggest that this variant may disrupt the consensus splice site. In summary, the available evidence is currently insufficient to determine the role of this variant in disease. Therefore, it has been classified as a Variant of Uncertain Significance.

Literature cited by the submitters: PubMed 17576681 (cited by Labcorp Genetics (formerly Invitae), Labcorp); PubMed 9536098 (cited by Labcorp Genetics (formerly Invitae), Labcorp).

NM_001365951.3(KIF1B):c.1434+5del

Gene: KIF1B (kinesin family member 1B; plus strand). Cytogenetic location: 1p36.22.
Variant type: Deletion.
Coding change: c.1434+5del on transcript NM_001365951.3 (MANE Select); 5 bases into the intron after coding-DNA position 1434, one base deleted (G; older notation c.1434+5delG).
Molecular consequence: intron variant.
Genome position (GRCh38, 1-based): chr1:10,282,538, G deleted. VCF-style (leftmost placement, unchanged base first): chr1-10282537-AG-A. GRCh37 (hg19) VCF-style: chr1-10342595-AG-A.
Other names: c.1296+5delG (NM_015074.3); c.1296+5del (NM_183416.4, NM_015074.3, NM_001365953.1); c.1434+5del (NM_001365952.1).
Identifiers: ClinVar variation 658372 (VCV000658372.8), dbSNP rs1569695564, ClinGen allele CA915941118.
Genomic context (GRCh38, chr1:10,282,537, plus strand): 5'-ATTCAAGAGAGGATCATGTCTACACCTGGAGGAGAGGAAGCTATTGAACGTTTAAAGGTA[AG>A]TAATAGTTCAGACTGAATACAAGGTATTCTATGTAGCTCCACAAGGAAGAACTAGGAGTA-3'